The following is an entry in ClinVar:

NM_175875.5(SIX5):c.170C>A (p.Ala57Glu)

Genes: DM1-AS (DM1 locus antisense RNA; plus strand), SIX5 (SIX homeobox 5; minus strand), LOC107075317 (origin of replication in DMPK trinucleotide repeat region; plus strand), LOC129929037 (ATAC-STARR-seq lymphoblastoid silent region 10794; plus strand). Cytogenetic location: 19q13.32.
Variant type: single nucleotide variant.
Coding change: c.170C>A on transcript NM_175875.5 (MANE Select); coding-DNA position 170, C replaced by A.
Protein change: p.Ala57Glu; replaces alanine 57 with glutamic acid.
Molecular consequence: missense variant.
Genome position (GRCh38, 1-based): chr19:45,768,675, G>T on the plus strand (C>A on the coding strand, the complement: SIX5 is on the minus strand). VCF-style: chr19-45768675-G-T. GRCh37 (hg19) VCF-style: chr19-46271933-G-T.
Other names: short protein forms A57E.
Identifiers: ClinVar variation 2786662 (VCV002786662.3), dbSNP rs1969145566, ClinGen allele CA406424466.

ClinVar aggregate classification (germline): Uncertain significance (1 of 4 stars; one submission).

Submission:

Labcorp Genetics (formerly Invitae), Labcorp
Classification: Uncertain significance. Last evaluated: 2024-01-16. Review status: criteria provided, single submitter. Criteria: Invitae Variant Classification Sherloc (09022015). Collection method: clinical testing. Allele origin: germline.
Comment: This sequence change replaces alanine, which is neutral and non-polar, with glutamic acid, which is acidic and polar, at codon 57 of the SIX5 protein (p.Ala57Glu). This variant is not present in population databases (gnomAD no frequency). This variant has not been reported in the literature in individuals affected with SIX5-related conditions. Advanced modeling of protein sequence and biophysical properties (such as structural, functional, and spatial information, amino acid conservation, physicochemical variation, residue mobility, and thermodynamic stability) performed at Invitae indicates that this missense variant is not expected to disrupt SIX5 protein function with a negative predictive value of 80%. In summary, the available evidence is currently insufficient to determine the role of this variant in disease. Therefore, it has been classified as a Variant of Uncertain Significance.